The following is an entry in ClinVar:

NM_001079520.2(DACT1):c.25G>C (p.Ala9Pro)

Genes: DACT1 (dishevelled binding antagonist of beta catenin 1; plus strand), LOC130055736 (ATAC-STARR-seq lymphoblastoid silent region 5801; plus strand). Cytogenetic location: 14q23.1.
Variant type: single nucleotide variant.
Coding change: c.25G>C on transcript NM_001079520.2 (MANE Select); coding-DNA position 25, G replaced by C.
Protein change: p.Ala9Pro; replaces alanine 9 with proline.
Molecular consequence: missense variant.
Genome position (GRCh38, 1-based): chr14:58,638,227, G>C. VCF-style: chr14-58638227-G-C. GRCh37 (hg19) VCF-style: chr14-59104945-G-C.
Other names: c.25G>C, p.Ala9Pro (NM_016651.6); short protein forms A9P.
Identifiers: ClinVar variation 2631136 (VCV002631136.1), dbSNP rs1046513763, ClinGen allele CA261611285.

ClinVar aggregate classification (germline): Uncertain significance (1 of 4 stars; one submission).

Conditions:
DACT1-related disorder. Also called: DACT1-related condition.

Allele frequency attached by ClinVar (database versions not stated): gnomAD 0.00002; TOPMed 0.00003.

Submission:

PreventionGenetics, part of Exact Sciences
Classification: Uncertain significance for DACT1-related condition. Last evaluated: 2023-09-13. Review status: criteria provided, single submitter. Criteria: ACMG Guidelines, 2015. Collection method: clinical testing. Allele origin: germline.
Comment: The DACT1 c.25G>C variant is predicted to result in the amino acid substitution p.Ala9Pro. To our knowledge, this variant has not been reported in the literature or in a large population database, indicating this variant is rare. At this time, the clinical significance of this variant is uncertain due to the absence of conclusive functional and genetic evidence.